The following is an entry in ClinVar:

NM_000059.4(BRCA2):c.4613C>A (p.Ser1538Tyr)

Gene: BRCA2 (BRCA2 DNA repair associated; plus strand). Cytogenetic location: 13q13.1.
Variant type: single nucleotide variant.
Coding change: c.4613C>A on transcript NM_000059.4 (MANE Select); coding-DNA position 4613, C replaced by A.
Protein change: p.Ser1538Tyr; replaces serine 1538 with tyrosine.
Molecular consequence: missense variant.
Genome position (GRCh38, 1-based): chr13:32,338,968, C>A. VCF-style: chr13-32338968-C-A. GRCh37 (hg19) VCF-style: chr13-32913105-C-A.
Other names: c.4613C>A, p.Ser1538Tyr (NM_001406719.1, NM_001406720.1); short protein forms S1538Y.
Identifiers: ClinVar variation 1741909 (VCV001741909.4), dbSNP rs754643404, ClinGen allele CA387782020.

ClinVar aggregate classification (germline): Conflicting classifications of pathogenicity. Review status: criteria provided, conflicting classifications (1 of 4 stars). 2 submissions from 2 submitters: Uncertain significance (1); Likely benign (1). Last evaluated 2023-03-23.

Conditions:
Hereditary cancer-predisposing syndrome. Also called: Hereditary Cancer Syndrome; Hereditary neoplastic syndrome; Neoplastic Syndromes, Hereditary; Tumor predisposition. Identifiers: Orphanet 140162, MedGen C0027672, MeSH D009386, MONDO:0015356.

Submissions (2):

University of Washington Department of Laboratory Medicine, University of Washington
Classification: Likely benign for Hereditary cancer-predisposing syndrome. Last evaluated: 2023-03-23. Review status: criteria provided, single submitter. Criteria: Dines et al. (Genet Med. 2020). Collection method: curation. Allele origin: germline.
Comment: Missense variant in a coldspot region where missense variants are very unlikely to be pathogenic (PMID:31911673).

BRCA2 exon 11 coldspot. Reclassification based on statistical prior probability.

Ambry Genetics
Classification: Uncertain significance for Hereditary cancer-predisposing syndrome. Last evaluated: 2021-07-23. Review status: criteria provided, single submitter. Criteria: Ambry Variant Classification Scheme 2023. Collection method: clinical testing. Allele origin: germline.
Comment: The p.S1538Y variant (also known as c.4613C>A), located in coding exon 10 of the BRCA2 gene, results from a C to A substitution at nucleotide position 4613. The serine at codon 1538 is replaced by tyrosine, an amino acid with dissimilar properties. This amino acid position is well conserved in available vertebrate species. In addition, the in silico prediction for this alteration is inconclusive. Since supporting evidence is limited at this time, the clinical significance of this alteration remains unclear.